The following is an entry in ClinVar:

NM_001174089.2(SLC4A11):c.1423G>A (p.Glu475Lys)

Gene: SLC4A11 (solute carrier family 4 member 11; minus strand). Cytogenetic location: 20p13.
Variant type: single nucleotide variant.
Coding change: c.1423G>A on transcript NM_001174089.2 (MANE Select); coding-DNA position 1423, G replaced by A.
Protein change: p.Glu475Lys; replaces glutamic acid 475 with lysine.
Molecular consequence: missense variant. On other transcripts: non-coding transcript variant (1).
Genome position (GRCh38, 1-based): chr20:3,230,253, C>T on the plus strand (G>A on the coding strand, the complement: SLC4A11 is on the minus strand). VCF-style: chr20-3230253-C-T. GRCh37 (hg19) VCF-style: chr20-3210899-C-T.
Other names: c.1552G>A, p.Glu518Lys (NM_001174090.2); c.1309G>A, p.Glu437Lys (NM_001363745.2); c.1471G>A, p.Glu491Lys (NM_032034.4); short protein forms E491K, E437K, E518K, E475K.
Identifiers: ClinVar variation 1383973 (VCV001383973.6), dbSNP rs2067709720, ClinGen allele CA408088503.

ClinVar aggregate classification (germline): Uncertain significance (1 of 4 stars; one submission).

Submission:

Labcorp Genetics (formerly Invitae), Labcorp
Classification: Uncertain significance. Last evaluated: 2023-08-04. Review status: criteria provided, single submitter. Criteria: Invitae Variant Classification Sherloc (09022015). Collection method: clinical testing. Allele origin: germline.
Comment: In summary, the available evidence is currently insufficient to determine the role of this variant in disease. Therefore, it has been classified as a Variant of Uncertain Significance. Advanced modeling of protein sequence and biophysical properties (such as structural, functional, and spatial information, amino acid conservation, physicochemical variation, residue mobility, and thermodynamic stability) has been performed at Invitae for this missense variant, however the output from this modeling did not meet the statistical confidence thresholds required to predict the impact of this variant on SLC4A11 protein function. ClinVar contains an entry for this variant (Variation ID: 1383973). This variant has not been reported in the literature in individuals affected with SLC4A11-related conditions. This variant is not present in population databases (gnomAD no frequency). This sequence change replaces glutamic acid, which is acidic and polar, with lysine, which is basic and polar, at codon 491 of the SLC4A11 protein (p.Glu491Lys).